The following is an entry in ClinVar:

ClinVar aggregate classification (germline): Conflicting classifications of pathogenicity. Review status: criteria provided, conflicting classifications (1 of 4 stars). 2 submissions from 2 submitters: Uncertain significance (1); Likely benign (1). Last evaluated 2023-10-04.

Allele frequency attached by ClinVar (database versions not stated): TOPMed 0.00005; ExAC 0.00006; ESP Exome Variant Server 0.00008; gnomAD 0.00009; 1000 Genomes Project 30x 0.00016; 1000 Genomes Project 0.00020.
gnomAD v4.1: 85 of 1,614,084 alleles (0.0053%); highest among the groups gnomAD compares: African/African-American, 0.008%; no homozygotes.

Submissions (2):

Blueprint Genetics
Classification: Likely benign. Last evaluated: 2023-10-04. Review status: criteria provided, single submitter. Criteria: ACMG Guidelines, 2015. Collection method: clinical testing. Allele origin: germline.

GeneDx
Classification: Uncertain significance. Last evaluated: 2023-03-24. Review status: criteria provided, single submitter. Criteria: GeneDx Variant Classification Process June 2021. Collection method: clinical testing. Allele origin: germline. Affected: yes.
Comment: In silico analysis supports that this missense variant does not alter protein structure/function; Has not been previously published as pathogenic or benign to our knowledge

NM_005085.4(NUP214):c.1909G>A (p.Val637Met)

Gene: NUP214 (nucleoporin 214; plus strand). Cytogenetic location: 9q34.13.
Variant type: single nucleotide variant.
Coding change: c.1909G>A on transcript NM_005085.4 (MANE Select); coding-DNA position 1909, G replaced by A.
Protein change: p.Val637Met; replaces valine 637 with methionine.
Molecular consequence: missense variant.
Genome position (GRCh38, 1-based): chr9:131,146,268, G>A. VCF-style: chr9-131146268-G-A. GRCh37 (hg19) VCF-style: chr9-134021655-G-A.
Other names: c.1876G>A, p.Val626Met (NM_001318324.2); short protein forms V626M, V637M.
Identifiers: ClinVar variation 2580735 (VCV002580735.2), dbSNP rs371523799, ClinGen allele CA5289142.